The following is an entry in ClinVar:

ClinVar aggregate classification (germline): Pathogenic (1 of 4 stars; one submission).

Submission:

Labcorp Genetics (formerly Invitae), Labcorp
Classification: Pathogenic. Last evaluated: 2025-07-21. Review status: criteria provided, single submitter. Criteria: Invitae Variant Classification Sherloc (09022015). Collection method: clinical testing. Allele origin: germline.
Comment: This sequence change creates a premature translational stop signal (p.His1382Glnfs*18) in the TET2 gene. It is expected to result in an absent or disrupted protein product. Loss-of-function variants in TET2 are known to be pathogenic (PMID: 36066697). This variant is not present in population databases (gnomAD no frequency). This variant has not been reported in the literature in individuals affected with TET2-related conditions. For these reasons, this variant has been classified as Pathogenic.

Literature cited by the submitters: PubMed 36066697.

NM_001127208.3(TET2):c.4146_4147del (p.His1382fs)

Genes: TET2 (tet methylcytosine dioxygenase 2; plus strand), TET2-AS1 (TET2 antisense RNA 1; minus strand). Cytogenetic location: 4q24.
Variant type: Microsatellite.
Coding change: c.4146_4147del on transcript NM_001127208.3 (MANE Select); coding-DNA positions 4146 to 4147, 2 bases deleted (CA; older notation c.4146_4147delCA).
Protein change: p.His1382fs; shifts the reading frame from histidine 1382.
Molecular consequence: frameshift variant.
Genome position (GRCh38, 1-based): chr4:105,269,711-105,269,712, CA deleted; deleting any 2 consecutive bases within chr4:105,269,709-105,269,712 gives the same sequence; the c. name uses the placement nearest the transcript's 3' end. VCF-style (leftmost placement, unchanged base first): chr4-105269708-CCA-C. GRCh37 (hg19) VCF-style: chr4-106190865-CCA-C.
Other names: short protein forms H1382fs.
Identifiers: ClinVar variation 4798569 (VCV004798569.1).